The following is an entry in ClinVar:

ClinVar aggregate classification (germline): Uncertain significance. Review status: criteria provided, multiple submitters, no conflicts (2 of 4 stars). 2 submissions from 2 submitters: Uncertain significance (2). Last evaluated 2025-02-06.

Conditions:
NCOA1-related disorder. Also called: NCOA1-related condition.

gnomAD v4.1: 14 of 1,613,992 alleles (0.00087%); highest among the groups gnomAD compares: Admixed American, 0.0033%; no homozygotes.

Submissions (2):

PreventionGenetics, part of Exact Sciences
Classification: Uncertain significance for NCOA1-related condition. Last evaluated: 2025-02-06. Review status: criteria provided, single submitter. Criteria: ACMG Guidelines, 2015. Collection method: clinical testing. Allele origin: germline.
Comment: The NCOA1 c.694A>G variant is predicted to result in the amino acid substitution p.Ile232Val. To our knowledge, this variant has not been reported in the literature. This variant is reported in 0.0029% of alleles in individuals of Latino descent in gnomAD. At this time, the clinical significance of this variant is uncertain due to the absence of conclusive functional and genetic evidence.

Ambry Genetics
Classification: Uncertain significance. Last evaluated: 2025-01-18. Review status: criteria provided, single submitter. Criteria: Ambry Variant Classification Scheme 2023. Collection method: clinical testing. Allele origin: germline.

NM_003743.5(NCOA1):c.694A>G (p.Ile232Val)

Gene: NCOA1 (nuclear receptor coactivator 1; plus strand). Cytogenetic location: 2p23.3.
Variant type: single nucleotide variant.
Coding change: c.694A>G on transcript NM_003743.5 (MANE Select); coding-DNA position 694, A replaced by G.
Protein change: p.Ile232Val; replaces isoleucine 232 with valine.
Molecular consequence: missense variant.
Genome position (GRCh38, 1-based): chr2:24,691,642, A>G. VCF-style: chr2-24691642-A-G. GRCh37 (hg19) VCF-style: chr2-24914511-A-G.
Other names: c.694A>G, p.Ile232Val (NM_147233.2, NM_001362950.1, NM_001362952.1 and 3 more transcripts); short protein forms I232V.
Identifiers: ClinVar variation 3878192 (VCV003878192.2).